The following is an entry in ClinVar:

NM_000553.6(WRN):c.3859A>G (p.Ile1287Val)

Gene: WRN (WRN RecQ like helicase; plus strand). Cytogenetic location: 8p12.
Variant type: single nucleotide variant.
Coding change: c.3859A>G on transcript NM_000553.6 (MANE Select); coding-DNA position 3859, A replaced by G.
Protein change: p.Ile1287Val; replaces isoleucine 1287 with valine.
Molecular consequence: missense variant.
Genome position (GRCh38, 1-based): chr8:31,157,407, A>G. VCF-style: chr8-31157407-A-G. GRCh37 (hg19) VCF-style: chr8-31014923-A-G.
Other names: short protein forms I1287V.
Identifiers: ClinVar variation 404041 (VCV000404041.8), dbSNP rs757172649, ClinGen allele CA4705193.
Genomic context (GRCh38, chr8:31,157,407, plus strand): 5'-TCTTTGCTGATCTTTCTCTAGAAGAGCATAGCTGAGAGCAGGATTCTGCCTCTCATGACA[A>G]TTGGCATGCACTTATCCCAAGCGGTGAAAGCTGGCTGCCCCCTTGATTTGGAGCGAGCAG-3'
Protein context (NP_000544.2, residues 1277-1297): AESRILPLMT[Ile1287Val]GMHLSQAVKA

ClinVar aggregate classification (germline): Uncertain significance (1 of 4 stars; one submission).

Conditions:
Werner syndrome (WRN). Identifiers: Orphanet 902, MedGen C0043119, MONDO:0010196, OMIM 277700.

Allele frequency attached by ClinVar (database versions not stated): ExAC 0.00001; gnomAD 0.00001; gnomAD exomes 0.00001 and 0.00003; TOPMed 0.00001.
gnomAD v4.1: 42 of 1,613,936 alleles (0.0026%); highest among the groups gnomAD compares: Non-Finnish European, 0.0031%; no homozygotes.

Submission:

Labcorp Genetics (formerly Invitae), Labcorp
Classification: Uncertain significance for Werner syndrome. Last evaluated: 2025-10-07. Review status: criteria provided, single submitter. Criteria: Invitae Variant Classification Sherloc (09022015). Collection method: clinical testing. Allele origin: germline.
Comment: This sequence change replaces isoleucine, which is neutral and non-polar, with valine, which is neutral and non-polar, at codon 1287 of the WRN protein (p.Ile1287Val). This variant is present in population databases (rs757172649, gnomAD 0.003%). This variant has not been reported in the literature in individuals affected with WRN-related conditions. ClinVar contains an entry for this variant (Variation ID: 404041). An algorithm developed to predict the effect of missense changes on protein structure and function outputs the following: PolyPhen-2: "Benign". The valine amino acid residue is found in multiple mammalian species, which suggests that this missense change does not adversely affect protein function. RNA analysis performed to evaluate the impact of this missense change on mRNA splicing indicates it does not significantly alter splicing (internal data). In summary, the available evidence is currently insufficient to determine the role of this variant in disease. Therefore, it has been classified as a Variant of Uncertain Significance.